The following is an entry in ClinVar:

NM_000330.4(RS1):c.375_389del (p.Asp126_Ile130del)

Genes: CDKL5 (cyclin dependent kinase like 5; plus strand), RS1 (retinoschisin 1; minus strand). Cytogenetic location: Xp22.13.
Variant type: Deletion.
Coding change: c.375_389del on transcript NM_000330.4 (MANE Select); coding-DNA positions 375 to 389, 15 bases deleted (AGATCTGAAGGAGAT).
Protein change: p.Asp126_Ile130del.
Molecular consequence: inframe deletion. On other transcripts: intron variant (2).
Genome position (GRCh38, 1-based): chrX:18,644,563-18,644,577, ATCTCCTTCAGATCT deleted on the plus strand (AGATCTGAAGGAGAT on the coding strand, the reverse complement: RS1 is on the minus strand); deleting any 15 consecutive bases within chrX:18,644,563-18,644,581 gives the same sequence; the c. name uses the placement nearest the transcript's 3' end. VCF-style (leftmost placement, unchanged base first): chrX-18644562-GATCTCCTTCAGATCT-G. GRCh37 (hg19) VCF-style: chrX-18662682-GATCTCCTTCAGATCT-G.
Other names: c.2714-1440_2714-1426del (NM_003159.3, NM_001037343.2).
Identifiers: ClinVar variation 3342270 (VCV003342270.1).

ClinVar aggregate classification (germline): Likely pathogenic (1 of 4 stars; one submission).

Conditions:
Juvenile retinoschisis (RS1). Also called: X-linked retinoschisis; X-Linked Juvenile Retinoschisis. Identifiers: Orphanet 792, MedGen C3714753, MONDO:0010725, OMIM 312700.

Submission:

MVZ Medizinische Genetik Mainz
Classification: Likely pathogenic for Juvenile retinoschisis. Last evaluated: 2024-08-27. Review status: criteria provided, single submitter. Criteria: UK Practice Guidelines For Variant Classification V4 01 2020. Collection method: clinical testing. Allele origin: germline. Inheritance: X-linked dominant inheritance. Observed: 1 variant allele.
Comment: ACMG Criteria: PM1,PM4,PM2_SUP,PP4